The following is an entry in ClinVar:

ClinVar aggregate classification (germline): Conflicting classifications of pathogenicity. Review status: criteria provided, conflicting classifications (1 of 4 stars). 3 submissions from 3 submitters: Uncertain significance (2); Likely benign (1). Last evaluated 2024-11-15.

gnomAD v4.1: 21 of 1,612,964 alleles (0.0013%); highest among the groups gnomAD compares: Non-Finnish European, 0.0016%; no homozygotes.

Submissions (3):

Women's Health and Genetics/Laboratory Corporation of America, LabCorp
Classification: Uncertain significance. Last evaluated: 2024-11-15. Review status: criteria provided, single submitter. Criteria: LabCorp Variant Classification Summary - May 2015. Collection method: clinical testing. Allele origin: germline.

Revvity Omics, Revvity
Classification: Uncertain significance. Last evaluated: 2022-10-10. Review status: criteria provided, single submitter. Criteria: ACMG Guidelines, 2015. Collection method: clinical testing. Allele origin: germline.

GeneDx
Classification: Likely benign. Last evaluated: 2018-06-01. Review status: criteria provided, single submitter. Criteria: GeneDx Variant Classification (06012015). Collection method: clinical testing. Allele origin: germline. Affected: yes.
Comment: This variant is considered likely benign or benign based on one or more of the following criteria: it is a conservative change, it occurs at a poorly conserved position in the protein, it is predicted to be benign by multiple in silico algorithms, and/or has population frequency not consistent with disease.

NM_001267550.2(TTN):c.71305A>G (p.Thr23769Ala)

Genes: TTN (titin; minus strand), TTN-AS1 (TTN antisense RNA 1; plus strand). Cytogenetic location: 2q31.2.
Variant type: single nucleotide variant.
Coding change: c.71305A>G on transcript NM_001267550.2 (MANE Select); coding-DNA position 71305, A replaced by G.
Protein change: p.Thr23769Ala; replaces threonine 23769 with alanine.
Molecular consequence: missense variant.
Genome position (GRCh38, 1-based): chr2:178,574,827, T>C on the plus strand (A>G on the coding strand, the complement: TTN is on the minus strand). VCF-style: chr2-178574827-T-C. GRCh37 (hg19) VCF-style: chr2-179439554-T-C.
Other names: c.66382A>G, p.Thr22128Ala (NM_001256850.1); c.44110A>G, p.Thr14704Ala (NM_003319.4); c.63601A>G, p.Thr21201Ala (NM_133378.4); c.44485A>G, p.Thr14829Ala (NM_133432.3); c.44686A>G, p.Thr14896Ala (NM_133437.4); short protein forms T14829A, T22128A, T14704A, T14896A, T21201A, T23769A.
Identifiers: ClinVar variation 670139 (VCV000670139.5), dbSNP rs776889753, ClinGen allele CA1990649.
Genomic context (GRCh38, chr2:178,574,827, plus strand): 5'-TGGCTTTATAGGTAGTACGTATAACGGTGGTTGCTAACTCAACCCAGGTAGTACTGTCAG[T>C]CTGCCGCATTTCCACTACATAGTTGCTTATTGGTACACCACCATCGTTCTCAGGTGGGTC-3'
Protein context (NP_001254479.2, residues 23759-23779): ISNYVVEMRQ[Thr23769Ala]DSTTWVELAT